The following is an entry in ClinVar:

ClinVar aggregate classification (germline): Uncertain significance (1 of 4 stars; one submission).

Conditions:
Nemaline myopathy 6 (NEM6). Also called: Nemaline myopathy 6, autosomal dominant. Identifiers: Orphanet 171439, MedGen C1836472, MONDO:0012237, OMIM 609273.

Submission:

Labcorp Genetics (formerly Invitae), Labcorp
Classification: Uncertain significance for Nemaline myopathy 6. Last evaluated: 2017-05-05. Review status: criteria provided, single submitter. Criteria: Invitae Variant Classification Sherloc (09022015). Collection method: clinical testing. Allele origin: germline.
Comment: While this variant is not present in population databases, the frequency information is unreliable, as metrics indicate poor data quality at this position in the ExAC database. This variant has not been reported in the literature in individuals with a KBTBD13-related disease. This sequence change replaces phenylalanine with leucine at codon 116 of the KBTBD13 protein (p.Phe116Leu). The phenylalanine residue is moderately conserved and there is a small physicochemical difference between phenylalanine and leucine. Algorithms developed to predict the effect of missense changes on protein structure and function do not agree on the potential impact of this missense change (SIFT: "Deleterious"; PolyPhen-2: "Possibly Damaging"; Align-GVGD: "Class C0"). In summary, this variant is a novel missense change with uncertain impact on protein function. It has been classified as a Variant of Uncertain Significance.

NM_001101362.3(KBTBD13):c.348C>A (p.Phe116Leu)

Gene: KBTBD13 (kelch repeat and BTB domain containing 13; plus strand). Cytogenetic location: 15q22.31.
Variant type: single nucleotide variant.
Coding change: c.348C>A on transcript NM_001101362.3 (MANE Select); coding-DNA position 348, C replaced by A.
Protein change: p.Phe116Leu; replaces phenylalanine 116 with leucine.
Molecular consequence: missense variant.
Genome position (GRCh38, 1-based): chr15:65,077,163, C>A. VCF-style: chr15-65077163-C-A. GRCh37 (hg19) VCF-style: chr15-65369501-C-A.
Other names: short protein forms F116L.
Identifiers: ClinVar variation 464354 (VCV000464354.8), dbSNP rs1222501717, ClinGen allele CA392860026.
Genomic context (GRCh38, chr15:65,077,163, plus strand): 5'-TCTGGAGCACAACCTCACGTCGGACAACTGCGCATTGCTGTGCGACGCGGCCGCCGCCTT[C>A]GGCCTGCGCGACGTGTTCCACAGTGCCGCGCTCTTCATCTGCGACGGCGAGCGCGAGCTG-3'
Protein context (NP_001094832.1, residues 106-126): CALLCDAAAA[Phe116Leu]GLRDVFHSAA